The following is an entry in ClinVar:

NM_002230.4(JUP):c.406G>A (p.Asp136Asn)

Gene: JUP (junction plakoglobin; minus strand). Cytogenetic location: 17q21.2.
Variant type: single nucleotide variant.
Coding change: c.406G>A on transcript NM_002230.4 (MANE Select); coding-DNA position 406, G replaced by A.
Protein change: p.Asp136Asn; replaces aspartic acid 136 with asparagine.
Molecular consequence: missense variant.
Genome position (GRCh38, 1-based): chr17:41,769,480, C>T on the plus strand (G>A on the coding strand, the complement: JUP is on the minus strand). VCF-style: chr17-41769480-C-T. GRCh37 (hg19) VCF-style: chr17-39925732-C-T.
Other names: c.406G>A, p.Asp136Asn (NM_001352773.2, NM_001352774.2, NM_001352775.2 and 3 more transcripts); short protein forms D136N.
Identifiers: ClinVar variation 930937 (VCV000930937.14), dbSNP rs782392706, ClinGen allele CA8565505.

ClinVar aggregate classification (germline): Uncertain significance. Review status: criteria provided, multiple submitters, no conflicts (2 of 4 stars). 4 submissions from 4 submitters: Uncertain significance (4). Last evaluated 2026-05-05.

Conditions:
Cardiovascular phenotype. Identifiers: MedGen CN230736.
Long QT syndrome (LQTS). Identifiers: MedGen C0023976, MeSH D008133, MONDO:0002442. Disease mechanism: loss of function. Inheritance: Various modes of inheritance.
Naxos disease (NXD). Also called: KERATOSIS PALMOPLANTARIS WITH ARRHYTHMOGENIC CARDIOMYOPATHY; MAL DE NAXOS; PALMOPLANTAR KERATODERMA WITH ARRHYTHMOGENIC RIGHT VENTRICULAR CARDIOMYOPATHY AND WOOLLY HAIR; CARDIOMYOPATHY, ARRHYTHMOGENIC RIGHT VENTRICULAR, WITH SKIN, HAIR, AND NAIL ABNORMALITIES; WOOLLY HAIR, PALMOPLANTAR KERATODERMA, AND CARDIAC ABNORMALITIES. Identifiers: Orphanet 34217, MedGen C1832600, MONDO:0011017, OMIM 601214.
Arrhythmogenic right ventricular dysplasia 12. Also called: ARRHYTHMOGENIC RIGHT VENTRICULAR DYSPLASIA, FAMILIAL, 12. Identifiers: MedGen C1969081, MONDO:0012684, OMIM 611528.

Allele frequency attached by ClinVar (database versions not stated): gnomAD 0.00001; TOPMed 0.00001; gnomAD exomes 0.00002.

Submissions (4):

Ambry Genetics
Classification: Uncertain significance for Cardiovascular phenotype. Last evaluated: 2026-05-05. Review status: criteria provided, single submitter. Criteria: Ambry Variant Classification Scheme 2023. Collection method: clinical testing. Allele origin: germline.
Comment: The p.D136N variant (also known as c.406G>A), located in coding exon 2 of the JUP gene, results from a G to A substitution at nucleotide position 406. The aspartic acid at codon 136 is replaced by asparagine, an amino acid with highly similar properties. This variant was reported in individual(s) with sudden unexplained death (Torkamani A et al. JAMA, 2016 Oct;316:1492-1494). This amino acid position is highly conserved in available vertebrate species. In addition, this alteration is predicted to be tolerated by in silico analysis. Based on the available evidence, the clinical significance of this variant remains unclear.

Labcorp Genetics (formerly Invitae), Labcorp
Classification: Uncertain significance for Arrhythmogenic right ventricular dysplasia 12; Naxos disease. Last evaluated: 2025-06-09. Review status: criteria provided, single submitter. Criteria: Invitae Variant Classification Sherloc (09022015). Collection method: clinical testing. Allele origin: germline.
Comment: This sequence change replaces aspartic acid, which is acidic and polar, with asparagine, which is neutral and polar, at codon 136 of the JUP protein (p.Asp136Asn). This variant is present in population databases (rs782392706, gnomAD 0.005%). This variant has not been reported in the literature in individuals affected with JUP-related conditions. ClinVar contains an entry for this variant (Variation ID: 930937). An algorithm developed to predict the effect of missense changes on protein structure and function (PolyPhen-2) suggests that this variant is likely to be disruptive. In summary, the available evidence is currently insufficient to determine the role of this variant in disease. Therefore, it has been classified as a Variant of Uncertain Significance.

Dept of Medical Biology, Uskudar University
Classification: Uncertain significance for Long QT syndrome. Last evaluated: 2024-01-08. Review status: criteria provided, single submitter. Criteria: Dept of Medical Biology Variant Classification. Collection method: research. Allele origin: paternal. Affected: yes. Observed: 1 variant allele.
Comment: Criteria: PM2, PP3

Centre for Mendelian Genomics, University Medical Centre Ljubljana
Classification: Uncertain significance for Naxos disease. Last evaluated: 2020-03-05. Review status: criteria provided, single submitter. Criteria: ACMG Guidelines, 2015. Collection method: clinical testing. Allele origin: unknown. Affected: yes.
Comment: This variant was classified as: Uncertain significance. The available evidence on this variant's pathogenicity is insufficient or conflicting. The following ACMG criteria were applied in classifying this variant: PP3,PM5.

Literature cited by the submitters: PubMed 27727376 (cited by Ambry Genetics).